The following is an entry in ClinVar:

NM_001723.7(DST):c.6604C>T (p.Pro2202Ser)

Gene: DST (dystonin; minus strand). Cytogenetic location: 6p12.1.
Variant type: single nucleotide variant.
Coding change: c.6604C>T on transcript NM_001723.7 (MANE Plus Clinical); coding-DNA position 6604, C replaced by T.
Protein change: p.Pro2202Ser; replaces proline 2202 with serine.
Molecular consequence: missense variant. On other transcripts: intron variant (10).
Genome position (GRCh38, 1-based): chr6:56,616,863, G>A on the plus strand (C>T on the coding strand, the complement: DST is on the minus strand). VCF-style: chr6-56616863-G-A. GRCh37 (hg19) VCF-style: chr6-56481661-G-A.
Other names: c.4831-2379C>T (NM_001144769.5); c.4930-2379C>T (NM_001374722.1, NM_001374736.1); c.4957-2379C>T (NM_001374734.1); c.4417-2379C>T (NM_001144770.2); c.4297-2379C>T (NM_001374730.1, NM_001386100.1, NM_183380.4 and 1 more transcripts); c.3319-2379C>T (NM_015548.5); short protein forms P2202S.
Identifiers: ClinVar variation 971008 (VCV000971008.31), dbSNP rs774240712, ClinGen allele CA3870130.

ClinVar aggregate classification (germline): Uncertain significance. Review status: criteria provided, multiple submitters, no conflicts (2 of 4 stars). 2 submissions from 2 submitters: Uncertain significance (2). Last evaluated 2024-03-01.

Conditions:
Hereditary sensory and autonomic neuropathy type 6. Also called: Neuropathy, hereditary sensory and autonomic, type VI; HSAN VI. Identifiers: Orphanet 314381, MedGen C3539003, MONDO:0013839, OMIM 614653.
Epidermolysis bullosa simplex 3, localized or generalized intermediate, with BP230 deficiency (EBS3). Also called: Epidermolysis bullosa simplex, autosomal recessive 2; Epidermolysis bullosa simplex due to BP230 deficiency. Identifiers: Orphanet 412181, MedGen C3809470, MONDO:0014180, OMIM 615425.

Allele frequency attached by ClinVar (database versions not stated): gnomAD exomes 0.00001; ExAC 0.00002.
gnomAD v4.1: 4 of 1,613,890 alleles (0.00025%); highest among the groups gnomAD compares: Non-Finnish European, 0.00017%; no homozygotes.

Submissions (2):

CeGaT Center for Human Genetics Tuebingen
Classification: Uncertain significance. Last evaluated: 2024-03-01. Review status: criteria provided, single submitter. Criteria: CeGaT Center For Human Genetics Tuebingen Variant Classification Criteria Version 2. Collection method: clinical testing. Allele origin: germline. Affected: yes. Observed: 1 variant allele.
Comment: DST: PM2, BP4

Labcorp Genetics (formerly Invitae), Labcorp
Classification: Uncertain significance for Epidermolysis bullosa simplex 3, localized or generalized intermediate, with BP230 deficiency; Hereditary sensory and autonomic neuropathy type 6. Last evaluated: 2024-02-24. Review status: criteria provided, single submitter. Criteria: Invitae Variant Classification Sherloc (09022015). Collection method: clinical testing. Allele origin: germline.
Comment: This sequence change replaces proline, which is neutral and non-polar, with serine, which is neutral and polar, at codon 2202 of the DST protein (p.Pro2202Ser). This variant is present in population databases (rs774240712, gnomAD 0.002%). This variant has not been reported in the literature in individuals affected with DST-related conditions. ClinVar contains an entry for this variant (Variation ID: 971008). An algorithm developed to predict the effect of missense changes on protein structure and function (PolyPhen-2) suggests that this variant is likely to be tolerated. In summary, the available evidence is currently insufficient to determine the role of this variant in disease. Therefore, it has been classified as a Variant of Uncertain Significance.